The following is an entry in ClinVar:

ClinVar aggregate classification (germline): Uncertain significance. Review status: criteria provided, multiple submitters, no conflicts (2 of 4 stars). 2 submissions from 2 submitters: Uncertain significance (2). Last evaluated 2023-11-04.

Conditions:
Autosomal dominant intellectual disability-craniofacial anomalies-cardiac defects syndrome (ARTHS). Also called: Mental retardation, autosomal dominant 32; KAT6A syndrome; Arboleda-Tham syndrome. Identifiers: Orphanet 457193, MedGen C4225396, MONDO:0014558, OMIM 616268.

Allele frequency attached by ClinVar (database versions not stated): gnomAD exomes below 0.00001.
gnomAD v4.1: 1 of 1,594,124 alleles (0.000063%); highest among the groups gnomAD compares: Non-Finnish European, 0.000085%; no homozygotes.

Submissions (2):

Department of Pathology and Laboratory Medicine, Sinai Health System
Classification: Uncertain significance for Autosomal dominant intellectual disability-craniofacial anomalies-cardiac defects syndrome. Last evaluated: 2023-11-04. Review status: criteria provided, single submitter. Criteria: ACMG Guidelines, 2015. Collection method: research. Allele origin: germline.

Labcorp Genetics (formerly Invitae), Labcorp
Classification: Uncertain significance. Last evaluated: 2022-07-13. Review status: criteria provided, single submitter. Criteria: Invitae Variant Classification Sherloc (09022015). Collection method: clinical testing. Allele origin: germline.
Comment: This sequence change replaces leucine, which is neutral and non-polar, with isoleucine, which is neutral and non-polar, at codon 628 of the KAT6A protein (p.Leu628Ile). This variant is not present in population databases (gnomAD no frequency). This variant has not been reported in the literature in individuals affected with KAT6A-related conditions. ClinVar contains an entry for this variant (Variation ID: 1485846). Algorithms developed to predict the effect of missense changes on protein structure and function are either unavailable or do not agree on the potential impact of this missense change (SIFT: "Tolerated"; PolyPhen-2: "Possibly Damaging"; Align-GVGD: "Class C0"). In summary, the available evidence is currently insufficient to determine the role of this variant in disease. Therefore, it has been classified as a Variant of Uncertain Significance.

NM_006766.5(KAT6A):c.1882C>A (p.Leu628Ile)

Gene: KAT6A (lysine acetyltransferase 6A; minus strand). Cytogenetic location: 8p11.21.
Variant type: single nucleotide variant.
Coding change: c.1882C>A on transcript NM_006766.5 (MANE Select); coding-DNA position 1882, C replaced by A.
Protein change: p.Leu628Ile; replaces leucine 628 with isoleucine.
Molecular consequence: missense variant.
Genome position (GRCh38, 1-based): chr8:41,947,771, G>T on the plus strand (C>A on the coding strand, the complement: KAT6A is on the minus strand). VCF-style: chr8-41947771-G-T. GRCh37 (hg19) VCF-style: chr8-41805289-G-T.
Other names: c.1882C>A, p.Leu628Ile (NM_001305878.2); short protein forms L628I.
Identifiers: ClinVar variation 1485846 (VCV001485846.6), dbSNP rs1177403114, ClinGen allele CA371073781.